The following is an entry in ClinVar:

ClinVar aggregate classification (germline): Uncertain significance (1 of 4 stars; one submission).

Conditions:
Myopathy, centronuclear, 2 (CNM2). Also called: MYOTUBULAR MYOPATHY, AUTOSOMAL RECESSIVE. Identifiers: Orphanet 169186, MedGen CN031787, MONDO:0009709, OMIM 255200.

Submission:

Labcorp Genetics (formerly Invitae), Labcorp
Classification: Uncertain significance for Myopathy, centronuclear, 2. Last evaluated: 2023-04-12. Review status: criteria provided, single submitter. Criteria: Invitae Variant Classification Sherloc (09022015). Collection method: clinical testing. Allele origin: germline.
Comment: This sequence change replaces methionine, which is neutral and non-polar, with isoleucine, which is neutral and non-polar, at codon 564 of the BIN1 protein (p.Met564Ile). This variant is not present in population databases (gnomAD no frequency). This variant has not been reported in the literature in individuals affected with BIN1-related conditions. Advanced modeling of protein sequence and biophysical properties (such as structural, functional, and spatial information, amino acid conservation, physicochemical variation, residue mobility, and thermodynamic stability) performed at Invitae indicates that this missense variant is expected to disrupt BIN1 protein function. In summary, the available evidence is currently insufficient to determine the role of this variant in disease. Therefore, it has been classified as a Variant of Uncertain Significance.

NM_139343.3(BIN1):c.1692G>A (p.Met564Ile)

Gene: BIN1 (bridging integrator 1; minus strand). Cytogenetic location: 2q14.3.
Variant type: single nucleotide variant.
Coding change: c.1692G>A on transcript NM_139343.3 (MANE Select); coding-DNA position 1692, G replaced by A.
Protein change: p.Met564Ile; replaces methionine 564 with isoleucine.
Molecular consequence: missense variant.
Genome position (GRCh38, 1-based): chr2:127,048,616, C>T on the plus strand (G>A on the coding strand, the complement: BIN1 is on the minus strand). VCF-style: chr2-127048616-C-T. GRCh37 (hg19) VCF-style: chr2-127806192-C-T.
Other names: c.1185G>A, p.Met395Ile (NM_001320632.2); c.1323G>A, p.Met441Ile (NM_001320633.2); c.1068G>A, p.Met356Ile (NM_001320634.1); c.1452G>A, p.Met484Ile (NM_001320640.2); c.1599G>A, p.Met533Ile (NM_001320641.2); c.1611G>A, p.Met537Ile (NM_001320642.1); c.1275G>A, p.Met425Ile (NM_004305.4); c.1563G>A, p.Met521Ile (NM_139344.3); and 7 more; short protein forms M395I, M477I, M484I, M380I, M410I, M441I, M468I, M537I.
Identifiers: ClinVar variation 2724667 (VCV002724667.3), dbSNP rs2467132904, ClinGen allele CA348373693.
Genomic context (GRCh38, chr2:127,048,616, plus strand): 5'-GAAGACGCCACGGCACTTCTCCAGCTCCTTGTGCTGGTTCCAGTCGCTCTCCTTCACGCC[C>T]ATGAGCCAGCCTTCATCCTGAGGGGCAGAGCACCAGGTCGCACAGGGATGAGCAAGGGGC-3'
Protein context (NP_647593.1, residues 554-574): NPEEQDEGWL[Met564Ile]GVKESDWNQH